The following is an entry in ClinVar:

ClinVar aggregate classification (germline): Uncertain significance. Review status: criteria provided, multiple submitters, no conflicts (2 of 4 stars). 4 submissions from 4 submitters: Uncertain significance (4). Last evaluated 2026-03-24.

Conditions:
Meckel syndrome, type 3 (MKS3). Also called: MECKEL-GRUBER SYNDROME, TYPE 3. Identifiers: Orphanet 564, MedGen C1846357, MONDO:0011821, OMIM 607361.
COACH syndrome 1. Identifiers: Orphanet 1454, MedGen C5435651, MONDO:0800103, OMIM 216360, MONDO:0008996.
Joubert syndrome 6 (JBTS6). Identifiers: Orphanet 475, MedGen C1853153, MONDO:0012539, OMIM 610688.
Bardet-Biedl syndrome 14 (BBS14). Identifiers: Orphanet 110, MedGen C2673874, MONDO:0014442, OMIM 615991.
RHYNS syndrome. Also called: RETINITIS PIGMENTOSA SYNDROME; RETINITIS PIGMENTOSA, HYPOPITUITARISM, NEPHRONOPHTHISIS, AND MILD SKELETAL DYSPLASIA. Identifiers: Orphanet 140976, MedGen C1865794, MONDO:0011202, OMIM 602152.
Nephronophthisis 11 (NPHP11). Identifiers: Orphanet 84081, MedGen C3150796, MONDO:0013302, OMIM 613550.
TMEM67-related disorder. Also called: TMEM67-related disorders; TMEM67-related condition. Identifiers: MedGen CN239423.
Joubert syndrome. Also called: Familial aplasia of the vermis; JOUBERT-BOLTSHAUSER SYNDROME. Identifiers: Orphanet 475, MedGen C5979921, MONDO:0018772.
Meckel-Gruber syndrome. Also called: Dysencephalia splachnocystica; GRUBER SYNDROME; DYSENCEPHALIA SPLANCHNOCYSTICA. Identifiers: Orphanet 564, MedGen C0265215, MONDO:0018921.

Allele frequency attached by ClinVar (database versions not stated): TOPMed 0.00003; gnomAD 0.00005; ESP Exome Variant Server 0.00015.
gnomAD v4.1: 16 of 1,613,582 alleles (0.00099%); highest among the groups gnomAD compares: African/African-American, 0.011%; no homozygotes.

Submissions (4):

PreventionGenetics, part of Exact Sciences
Classification: Uncertain significance for TMEM67-related condition. Last evaluated: 2026-03-24. Review status: criteria provided, single submitter. Criteria: ACMG Guidelines, 2015. Collection method: clinical testing. Allele origin: germline.
Comment: The TMEM67 c.1823G>A variant is predicted to result in the amino acid substitution p.Arg608His. To our knowledge, this variant has not been reported in the literature. This variant is reported in 0.016% of alleles in individuals of African descent in gnomAD. At this time, the clinical significance of this variant is uncertain due to the absence of conclusive functional and genetic evidence.

Labcorp Genetics (formerly Invitae), Labcorp
Classification: Uncertain significance for Joubert syndrome; Meckel-Gruber syndrome. Last evaluated: 2024-01-02. Review status: criteria provided, single submitter. Criteria: Invitae Variant Classification Sherloc (09022015). Collection method: clinical testing. Allele origin: germline.
Comment: This sequence change replaces arginine, which is basic and polar, with histidine, which is basic and polar, at codon 608 of the TMEM67 protein (p.Arg608His). This variant is present in population databases (rs146130549, gnomAD 0.02%). This variant has not been reported in the literature in individuals affected with TMEM67-related conditions. ClinVar contains an entry for this variant (Variation ID: 1354736). Advanced modeling of protein sequence and biophysical properties (such as structural, functional, and spatial information, amino acid conservation, physicochemical variation, residue mobility, and thermodynamic stability) has been performed at Invitae for this missense variant, however the output from this modeling did not meet the statistical confidence thresholds required to predict the impact of this variant on TMEM67 protein function. In summary, the available evidence is currently insufficient to determine the role of this variant in disease. Therefore, it has been classified as a Variant of Uncertain Significance.

GeneDx
Classification: Uncertain significance. Last evaluated: 2022-06-22. Review status: criteria provided, single submitter. Criteria: GeneDx Variant Classification Process June 2021. Collection method: clinical testing. Allele origin: germline. Affected: yes.
Comment: In silico analysis supports that this missense variant does not alter protein structure/function; Has not been previously published as pathogenic or benign to our knowledge

Fulgent Genetics
Classification: Uncertain significance for COACH syndrome 1; RHYNS syndrome; Meckel syndrome, type 3; Joubert syndrome 6; Nephronophthisis 11; Bardet-Biedl syndrome 14. Last evaluated: 2021-10-15. Review status: criteria provided, single submitter. Criteria: ACMG Guidelines, 2015. Collection method: clinical testing. Allele origin: unknown.

NM_153704.6(TMEM67):c.1823G>A (p.Arg608His)

Gene: TMEM67 (transmembrane protein 67; plus strand). Cytogenetic location: 8q22.1.
Variant type: single nucleotide variant.
Coding change: c.1823G>A on transcript NM_153704.6 (MANE Select); coding-DNA position 1823, G replaced by A.
Protein change: p.Arg608His; replaces arginine 608 with histidine.
Molecular consequence: missense variant. On other transcripts: non-coding transcript variant (1).
Genome position (GRCh38, 1-based): chr8:93,795,950, G>A. VCF-style: chr8-93795950-G-A. GRCh37 (hg19) VCF-style: chr8-94808178-G-A.
Other names: c.1580G>A, p.Arg527His (NM_001142301.1); short protein forms R527H, R608H.
Identifiers: ClinVar variation 1354736 (VCV001354736.8), dbSNP rs146130549, ClinGen allele CA4808112.